The following is an entry in ClinVar:

NM_025103.4(IFT74):c.1671T>G (p.Phe557Leu)

Gene: IFT74 (intraflagellar transport 74; plus strand). Cytogenetic location: 9p21.2.
Variant type: single nucleotide variant.
Coding change: c.1671T>G on transcript NM_025103.4 (MANE Select); coding-DNA position 1671, T replaced by G.
Protein change: p.Phe557Leu; replaces phenylalanine 557 with leucine.
Molecular consequence: missense variant.
Genome position (GRCh38, 1-based): chr9:27,060,638, T>G. VCF-style: chr9-27060638-T-G. GRCh37 (hg19) VCF-style: chr9-27060636-T-G.
Other names: c.1671T>G (NM_025103.2, NM_001099222.1); c.1671T>G, p.Phe557Leu (NM_001099222.3, NM_001099223.3, NM_001349928.2); short protein forms F557L.
Identifiers: ClinVar variation 2074344 (VCV002074344.3), dbSNP rs778304961, ClinGen allele CA5015742.
Genomic context (GRCh38, chr9:27,060,638, plus strand): 5'-TTTATGTTTTTAGCTTACAAATTTGGAGAGAAAGTGGCAACACCTTGAGCAAAATAATTT[T>G]GCGATGAAAGAATGTATCCTTTAAAAAGCTGAAAATGGGGCCGGGTGCGGTGGCTCATGC-3'
Protein context (NP_079379.2, residues 547-567): RKWQHLEQNN[Phe557Leu]AMKEFIATKS

ClinVar aggregate classification (germline): Uncertain significance. Review status: criteria provided, multiple submitters, no conflicts (2 of 4 stars). 3 submissions from 3 submitters: Uncertain significance (2). 1 of the submissions does not count toward it. Last evaluated 2025-11-12.

Conditions:
Inborn genetic diseases. Identifiers: MedGen C0950123, MeSH D030342.
IFT74-related disorder. Also called: IFT74-related condition; IFT74-Related Disorders.

Allele frequency attached by ClinVar (database versions not stated): gnomAD 0.00003; TOPMed 0.00002; gnomAD exomes 0.00002; ExAC 0.00001.
gnomAD v4.1: 34 of 1,600,794 alleles (0.0021%); highest among the groups gnomAD compares: African/African-American, 0.004%; no homozygotes.

Submissions (3):

Ambry Genetics
Classification: Uncertain significance for Inborn genetic diseases. Last evaluated: 2025-11-12. Review status: criteria provided, single submitter. Criteria: Ambry Variant Classification Scheme 2023. Collection method: clinical testing. Allele origin: germline.

Labcorp Genetics (formerly Invitae), Labcorp
Classification: Uncertain significance. Last evaluated: 2022-07-12. Review status: criteria provided, single submitter. Criteria: Invitae Variant Classification Sherloc (09022015). Collection method: clinical testing. Allele origin: germline.
Comment: This sequence change replaces phenylalanine, which is neutral and non-polar, with leucine, which is neutral and non-polar, at codon 557 of the IFT74 protein (p.Phe557Leu). This variant is present in population databases (rs778304961, gnomAD 0.002%). This variant has not been reported in the literature in individuals affected with IFT74-related conditions. Algorithms developed to predict the effect of missense changes on protein structure and function are either unavailable or do not agree on the potential impact of this missense change (SIFT: "Tolerated"; PolyPhen-2: "Possibly Damaging"; Align-GVGD: "Class C0"). Algorithms developed to predict the effect of sequence changes on RNA splicing suggest that this variant may create or strengthen a splice site. In summary, the available evidence is currently insufficient to determine the role of this variant in disease. Therefore, it has been classified as a Variant of Uncertain Significance.

PreventionGenetics, part of Exact Sciences
Classification: Uncertain significance for IFT74-related condition. Last evaluated: 2024-03-04. Review status: no assertion criteria provided. Collection method: clinical testing. Allele origin: germline. Not counted in ClinVar's aggregate classification.
Comment: The IFT74 c.1671T>G variant is predicted to result in the amino acid substitution p.Phe557Leu. To our knowledge, this variant has not been reported in the literature. This variant is reported in 0.0016% of alleles in individuals of European (Non-Finnish) descent in gnomAD. At this time, the clinical significance of this variant is uncertain due to the absence of conclusive functional and genetic evidence.